The following is an entry in ClinVar:

NM_004863.4(SPTLC2):c.1289A>G (p.Asp430Gly)

Gene: SPTLC2 (serine palmitoyltransferase long chain base subunit 2; minus strand). Cytogenetic location: 14q24.3.
Variant type: single nucleotide variant.
Coding change: c.1289A>G on transcript NM_004863.4 (MANE Select); coding-DNA position 1289, A replaced by G.
Protein change: p.Asp430Gly; replaces aspartic acid 430 with glycine.
Molecular consequence: missense variant.
Genome position (GRCh38, 1-based): chr14:77,552,110, T>C on the plus strand (A>G on the coding strand, the complement: SPTLC2 is on the minus strand). VCF-style: chr14-77552110-T-C. GRCh37 (hg19) VCF-style: chr14-78018453-T-C.
Other names: short protein forms D430G.
Identifiers: ClinVar variation 1709066 (VCV001709066.2), dbSNP rs2503481656, ClinGen allele CA390706915.
Genomic context (GRCh38, chr14:77,552,110, plus strand): 5'-GCTGCTAGGTGGACTTATGCAATGTTTCAAGAAAAGAAAGACTTACCAAGGCTGGTGCCA[T>C]CCTGCCCCATGATGCACTTCATGGAGGTGATGATCTGCTCCACTACAGGAGGTGACAATG-3'
Protein context (NP_004854.1, residues 420-440): ITSMKCIMGQ[Asp430Gly]GTSLGKECVQ

ClinVar aggregate classification (germline): Uncertain significance (1 of 4 stars; one submission).

Conditions:
Neuropathy, hereditary sensory and autonomic, type 1C. Also called: HSAN IC; HSN IC. Identifiers: Orphanet 36386, MedGen C3150896, MONDO:0013337, OMIM 613640.

Submission:

MGZ Medical Genetics Center
Classification: Uncertain significance for Neuropathy, hereditary sensory and autonomic, type 1C. Last evaluated: 2022-01-05. Review status: criteria provided, single submitter. Criteria: ACMG Guidelines, 2015. Collection method: clinical testing. Allele origin: germline. Affected: yes. Observed: 1 variant allele.
Comment: ACMG criteria applied: PM2_SUP, PP3